The following is an entry in ClinVar:

ClinVar aggregate classification (germline): Uncertain significance. Review status: criteria provided, multiple submitters, no conflicts (2 of 4 stars). 3 submissions from 3 submitters: Uncertain significance (3). Last evaluated 2025-10-18.

Conditions:
Hereditary cancer-predisposing syndrome. Also called: Tumor predisposition; Neoplastic Syndromes, Hereditary; Hereditary Cancer Syndrome; Hereditary neoplastic syndrome. Identifiers: Orphanet 140162, MedGen C0027672, MeSH D009386, MONDO:0015356.
Familial cancer of breast. Also called: BREAST CANCER, FAMILIAL; Hereditary breast cancer; hereditary breast carcinoma. Identifiers: Orphanet 227535, MedGen C0346153, MONDO:0016419, OMIM 114480. Disease mechanism: loss of function.
Fanconi anemia complementation group J. Also called: BRIP1-Related Fanconi Anemia. Identifiers: Orphanet 84, MedGen C1836860, MONDO:0012187, OMIM 609054.

Submissions (3):

Labcorp Genetics (formerly Invitae), Labcorp
Classification: Uncertain significance for Familial cancer of breast; Fanconi anemia complementation group J. Last evaluated: 2025-10-18. Review status: criteria provided, single submitter. Criteria: Invitae Variant Classification Sherloc (09022015). Collection method: clinical testing. Allele origin: germline.
Comment: This sequence change replaces aspartic acid, which is acidic and polar, with glycine, which is neutral and non-polar, at codon 153 of the BRIP1 protein (p.Asp153Gly). This variant is not present in population databases (gnomAD no frequency). This variant has not been reported in the literature in individuals affected with BRIP1-related conditions. ClinVar contains an entry for this variant (Variation ID: 627823). Invitae Evidence Modeling of protein sequence and biophysical properties (such as structural, functional, and spatial information, amino acid conservation, physicochemical variation, residue mobility, and thermodynamic stability) has been performed for this missense variant. However, the output from this modeling did not meet the statistical confidence thresholds required to predict the impact of this variant on BRIP1 protein function. In summary, the available evidence is currently insufficient to determine the role of this variant in disease. Therefore, it has been classified as a Variant of Uncertain Significance.

Color Diagnostics, LLC DBA Color Health
Classification: Uncertain significance for Hereditary cancer-predisposing syndrome. Last evaluated: 2023-12-05. Review status: criteria provided, single submitter. Criteria: ACMG Guidelines, 2015. Collection method: clinical testing. Allele origin: germline.
Comment: This missense variant replaces aspartic acid with glycine at codon 153 of the BRIP1 protein. Computational prediction suggests that this variant may not impact protein structure and function (internally defined REVEL score threshold <= 0.5, PMID: 27666373). To our knowledge, functional studies have not been reported for this variant. This variant has not been reported in individuals affected with BRIP1-related disorders in the literature. This variant has not been identified in the general population by the Genome Aggregation Database (gnomAD). The available evidence is insufficient to determine the role of this variant in disease conclusively. Therefore, this variant is classified as a Variant of Uncertain Significance.

Ambry Genetics
Classification: Uncertain significance for Hereditary cancer-predisposing syndrome. Last evaluated: 2021-06-15. Review status: criteria provided, single submitter. Criteria: Ambry Variant Classification Scheme 2023. Collection method: clinical testing. Allele origin: germline.
Comment: The p.D153G variant (also known as c.458A>G), located in coding exon 4 of the BRIP1 gene, results from an A to G substitution at nucleotide position 458. The aspartic acid at codon 153 is replaced by glycine, an amino acid with similar properties. This amino acid position is conserved. In addition, this alteration is predicted to be deleterious by in silico analysis. Since supporting evidence is limited at this time, the clinical significance of this alteration remains unclear.

NM_032043.3(BRIP1):c.458A>G (p.Asp153Gly)

Gene: BRIP1 (BRCA1 interacting DNA helicase 1; minus strand). Cytogenetic location: 17q23.2.
Variant type: single nucleotide variant.
Coding change: c.458A>G on transcript NM_032043.3 (MANE Select); coding-DNA position 458, A replaced by G.
Protein change: p.Asp153Gly; replaces aspartic acid 153 with glycine.
Molecular consequence: missense variant.
Genome position (GRCh38, 1-based): chr17:61,849,178, T>C on the plus strand (A>G on the coding strand, the complement: BRIP1 is on the minus strand). VCF-style: chr17-61849178-T-C. GRCh37 (hg19) VCF-style: chr17-59926539-T-C.
Other names: short protein forms D153G.
Identifiers: ClinVar variation 627823 (VCV000627823.8), dbSNP rs1567868486, ClinGen allele CA400484450.